The following is an entry in ClinVar:

ClinVar aggregate classification (germline): Uncertain significance. Review status: criteria provided, multiple submitters, no conflicts (2 of 4 stars). 4 submissions from 4 submitters: Uncertain significance (4). Last evaluated 2024-02-27.

Conditions:
Hereditary cancer-predisposing syndrome. Also called: Neoplastic Syndromes, Hereditary; Tumor predisposition; Hereditary neoplastic syndrome; Hereditary Cancer Syndrome. Identifiers: Orphanet 140162, MedGen C0027672, MeSH D009386, MONDO:0015356.
Fanconi anemia complementation group C (FANCC). Also called: FANCONI PANCYTOPENIA, TYPE 3; FACC; Fanconi anemia, group C; FANCC-Related Fanconi Anemia. Identifiers: Orphanet 84, MedGen C3468041, MONDO:0009213, OMIM 227645.
Fanconi anemia (FA). Also called: Fanconi's anemia. Identifiers: Orphanet 84, MedGen C0015625, MeSH D005199, MONDO:0019391.

Allele frequency attached by ClinVar (database versions not stated): gnomAD exomes below 0.00001; gnomAD 0.00001; TOPMed 0.00002.
gnomAD v4.1: 2 of 1,614,056 alleles (0.00012%); highest among the groups gnomAD compares: African/African-American, 0.0027%; no homozygotes.

Submissions (4):

Ambry Genetics
Classification: Uncertain significance for Hereditary cancer-predisposing syndrome. Last evaluated: 2024-02-27. Review status: criteria provided, single submitter. Criteria: Ambry Variant Classification Scheme 2023. Collection method: clinical testing. Allele origin: germline.
Comment: The p.D306V variant (also known as c.917A>T), located in coding exon 9 of the FANCC gene, results from an A to T substitution at nucleotide position 917. The aspartic acid at codon 306 is replaced by valine, an amino acid with highly dissimilar properties. This amino acid position is well conserved in available vertebrate species. In addition, the in silico prediction for this alteration is inconclusive. Since supporting evidence is limited at this time, the clinical significance of this alteration remains unclear.

Fulgent Genetics
Classification: Uncertain significance for Fanconi anemia complementation group C. Last evaluated: 2024-02-26. Review status: criteria provided, single submitter. Criteria: ACMG Guidelines, 2015. Collection method: clinical testing. Allele origin: germline.

Labcorp Genetics (formerly Invitae), Labcorp
Classification: Uncertain significance for Fanconi anemia. Last evaluated: 2022-12-24. Review status: criteria provided, single submitter. Criteria: Invitae Variant Classification Sherloc (09022015). Collection method: clinical testing. Allele origin: germline.
Comment: In summary, the available evidence is currently insufficient to determine the role of this variant in disease. Therefore, it has been classified as a Variant of Uncertain Significance. This sequence change replaces aspartic acid, which is acidic and polar, with valine, which is neutral and non-polar, at codon 306 of the FANCC protein (p.Asp306Val). This variant is present in population databases (no rsID available, gnomAD 0.01%). This variant has not been reported in the literature in individuals affected with FANCC-related conditions. ClinVar contains an entry for this variant (Variation ID: 1214876). Advanced modeling of protein sequence and biophysical properties (such as structural, functional, and spatial information, amino acid conservation, physicochemical variation, residue mobility, and thermodynamic stability) performed at Invitae indicates that this missense variant is expected to disrupt FANCC protein function.

GeneDx
Classification: Uncertain significance. Last evaluated: 2020-06-11. Review status: criteria provided, single submitter. Criteria: GeneDx Variant Classification Process June 2021. Collection method: clinical testing. Allele origin: germline. Affected: yes.
Comment: Not observed at a significant frequency in large population cohorts (Lek 2016); In silico analysis supports that this missense variant has a deleterious effect on protein structure/function; Has not been previously published as pathogenic or benign to our knowledge

NM_000136.3(FANCC):c.917A>T (p.Asp306Val)

Genes: AOPEP (aminopeptidase O (putative); plus strand), FANCC (FA complementation group C; minus strand). Cytogenetic location: 9q22.32.
Variant type: single nucleotide variant.
Coding change: c.917A>T on transcript NM_000136.3 (MANE Select); coding-DNA position 917, A replaced by T.
Protein change: p.Asp306Val; replaces aspartic acid 306 with valine.
Molecular consequence: missense variant.
Genome position (GRCh38, 1-based): chr9:95,125,165, T>A on the plus strand (A>T on the coding strand, the complement: FANCC is on the minus strand). VCF-style: chr9-95125165-T-A. GRCh37 (hg19) VCF-style: chr9-97887447-T-A.
Other names: c.917A>T, p.Asp306Val (NM_001243743.2, NM_001243744.2); short protein forms D306V.
Identifiers: ClinVar variation 1214876 (VCV001214876.10), dbSNP rs1383010376, ClinGen allele CA374108994.